The following is an entry in ClinVar:

ClinVar aggregate classification (germline): Pathogenic. Review status: criteria provided, multiple submitters, no conflicts (2 of 4 stars). 3 submissions from 3 submitters: Pathogenic (2). 1 of the submissions does not count toward it. Last evaluated 2025-12-21.

Conditions:
Epidermodysplasia verruciformis. Identifiers: Orphanet 302, MedGen C0014522, MONDO:0009176.
Epidermodysplasia verruciformis, susceptibility to, 1. Identifiers: Orphanet 302, MedGen C4722564, MONDO:0100045, OMIM 226400.

Allele frequency attached by ClinVar (database versions not stated): gnomAD 0.00001; TOPMed 0.00001; gnomAD exomes 0.00003; ExAC 0.00010.

Submissions (3):

Labcorp Genetics (formerly Invitae), Labcorp
Classification: Pathogenic for Epidermodysplasia verruciformis. Last evaluated: 2025-12-21. Review status: criteria provided, single submitter. Criteria: Invitae Variant Classification Sherloc (09022015). Collection method: clinical testing. Allele origin: germline.
Comment: This sequence change creates a premature translational stop signal (p.Arg94*) in the TMC6 gene. It is expected to result in an absent or disrupted protein product. Loss-of-function variants in TMC6 are known to be pathogenic (PMID: 15042430, 17139267). This variant is present in population databases (rs121908327, gnomAD 0.02%), including at least one homozygous and/or hemizygous individual. This premature translational stop signal has been observed in individual(s) with epidermodysplasia verruciformis (PMID: 12426567). It has also been observed to segregate with disease in related individuals. ClinVar contains an entry for this variant (Variation ID: 4748). Algorithms developed to predict the effect of sequence changes on RNA splicing suggest that this variant may disrupt the consensus splice site. For these reasons, this variant has been classified as Pathogenic.

GeneDx
Classification: Pathogenic. Last evaluated: 2023-11-22. Review status: criteria provided, single submitter. Criteria: GeneDx Variant Classification Process June 2021. Collection method: clinical testing. Allele origin: germline. Affected: yes.
Comment: Nonsense variant predicted to result in protein truncation or nonsense mediated decay in a gene for which loss of function is a known mechanism of disease; This variant is associated with the following publications: (PMID: 25525159, 36705400, 18158319, 12426567)

OMIM
Classification: risk factor for EPIDERMODYSPLASIA VERRUCIFORMIS, SUSCEPTIBILITY TO, 1. Last evaluated: 2002-12-01. Review status: no assertion criteria provided. Collection method: literature only. Allele origin: germline. Not counted in ClinVar's aggregate classification.

Literature cited by the submitters: PubMed 15042430 (cited by Labcorp Genetics (formerly Invitae), Labcorp); PubMed 17139267 (cited by Labcorp Genetics (formerly Invitae), Labcorp); PubMed 12426567 (cited by Labcorp Genetics (formerly Invitae), Labcorp and OMIM).

NM_001127198.5(TMC6):c.280C>T (p.Arg94Ter)

Gene: TMC6 (transmembrane channel like 6; minus strand). Cytogenetic location: 17q25.3.
Variant type: single nucleotide variant.
Coding change: c.280C>T on transcript NM_001127198.5 (MANE Select); coding-DNA position 280, C replaced by T.
Protein change: p.Arg94Ter; replaces arginine 94 with a stop codon.
Molecular consequence: nonsense. On other transcripts: non-coding transcript variant (4).
Genome position (GRCh38, 1-based): chr17:78,125,876, G>A on the plus strand (C>T on the coding strand, the complement: TMC6 is on the minus strand). VCF-style: chr17-78125876-G-A. GRCh37 (hg19) VCF-style: chr17-76121957-G-A.
Other names: c.280C>T, p.Arg94Ter (NM_001321185.1, NM_001374593.1, NM_001374594.1 and 4 more transcripts); c.280C>T (NM_007267.6); short protein forms R94*.
Identifiers: ClinVar variation 4748 (VCV000004748.7), dbSNP rs121908327, ClinGen allele CA117050.
Genomic context (GRCh38, chr17:78,125,876, plus strand): 5'-GGCTGCTCCTGCACCGAAGCTGCACCGTGCGGTTGTAGTACTGGGAGATGATGGCACCTC[G>A]GCTGCGGCCTATGGAGGCAGCTGGGCAGGGCCGGGCCGGGCAGGGCCAGGCCTCCCTCCC-3'